The following is an entry in ClinVar:

NM_006005.3(WFS1):c.1237T>G (p.Phe413Val)

Gene: WFS1 (wolframin ER transmembrane glycoprotein; plus strand). Cytogenetic location: 4p16.1.
Variant type: single nucleotide variant.
Coding change: c.1237T>G on transcript NM_006005.3 (MANE Select); coding-DNA position 1237, T replaced by G.
Protein change: p.Phe413Val; replaces phenylalanine 413 with valine.
Molecular consequence: missense variant.
Genome position (GRCh38, 1-based): chr4:6,301,032, T>G. VCF-style: chr4-6301032-T-G. GRCh37 (hg19) VCF-style: chr4-6302759-T-G.
Other names: c.1237T>G, p.Phe413Val (NM_001145853.1); short protein forms F413V.
Identifiers: ClinVar variation 166584 (VCV000166584.17), dbSNP rs71524356, ClinGen allele CA179641.

ClinVar aggregate classification (germline): Conflicting classifications of pathogenicity. Review status: criteria provided, conflicting classifications (1 of 4 stars). 7 submissions from 7 submitters: Uncertain significance (3); Benign (1); Likely benign (3). Last evaluated 2026-04-17.

Conditions:
WFS1-related disorder. Identifiers: MedGen CN379391, MONDO:0700293.
Inborn genetic diseases. Identifiers: MedGen C0950123, MeSH D030342.
Wolfram syndrome 1 (WFS1). Identifiers: Orphanet 3463, MedGen C4551693, MONDO:0009101, OMIM 222300.

Allele frequency attached by ClinVar (database versions not stated): ExAC 0.00004; gnomAD 0.00004 and 0.00005; gnomAD exomes 0.00006; TOPMed 0.00006; 1000 Genomes Project 30x 0.00016; 1000 Genomes Project 0.00020.
gnomAD v4.1: 100 of 1,614,138 alleles (0.0062%); highest among the groups gnomAD compares: Middle Eastern, 0.082%; no homozygotes.

Submissions (7):

PreventionGenetics, part of Exact Sciences
Classification: Uncertain significance for WFS1-related condition. Last evaluated: 2026-04-17. Review status: criteria provided, single submitter. Criteria: ACMG Guidelines, 2015. Collection method: clinical testing. Allele origin: germline.
Comment: The WFS1 c.1237T>G variant is predicted to result in the amino acid substitution p.Phe413Val. To our knowledge, this variant has not been reported in the literature. This variant is reported in 0.0093% of alleles in individuals of European (Non-Finnish) descent in gnomAD. At this time, the clinical significance of this variant is uncertain due to the absence of conclusive functional and genetic evidence.

Labcorp Genetics (formerly Invitae), Labcorp
Classification: Uncertain significance. Last evaluated: 2026-01-24. Review status: criteria provided, single submitter. Criteria: Invitae Variant Classification Sherloc (09022015). Collection method: clinical testing. Allele origin: germline.
Comment: This sequence change replaces phenylalanine, which is neutral and non-polar, with valine, which is neutral and non-polar, at codon 413 of the WFS1 protein (p.Phe413Val). This variant is present in population databases (rs71524356, gnomAD 0.01%). This variant has not been reported in the literature in individuals affected with WFS1-related conditions. ClinVar contains an entry for this variant (Variation ID: 166584). Invitae Evidence Modeling of protein sequence and biophysical properties (such as structural, functional, and spatial information, amino acid conservation, physicochemical variation, residue mobility, and thermodynamic stability) indicates that this missense variant is not expected to disrupt WFS1 protein function with a negative predictive value of 95%. In summary, the available evidence is currently insufficient to determine the role of this variant in disease. Therefore, it has been classified as a Variant of Uncertain Significance.

Blueprint Genetics
Classification: Uncertain significance. Last evaluated: 2024-09-18. Review status: criteria provided, single submitter. Criteria: ACMG Guidelines, 2015. Collection method: clinical testing. Allele origin: germline.

Ambry Genetics
Classification: Likely benign for Inborn genetic diseases. Last evaluated: 2021-09-16. Review status: criteria provided, single submitter. Criteria: Ambry Variant Classification Scheme 2023. Collection method: clinical testing. Allele origin: germline.

GeneDx
Classification: Likely benign. Last evaluated: 2021-04-06. Review status: criteria provided, single submitter. Criteria: GeneDx Variant Classification Process June 2021. Collection method: clinical testing. Allele origin: germline. Affected: yes.

Laboratory for Molecular Medicine, Mass General Brigham Personalized Medicine
Classification: Likely benign. Last evaluated: 2016-06-23. Review status: criteria provided, single submitter. Criteria: LMM Criteria. Collection method: clinical testing. Allele origin: germline. Observed: 2 variant alleles.
Comment: p.Phe413Val in Exon 8 of WFS1: This variant is not expected to have clinical sig nificance due to a lack of conservation across species, including mammals. Many mammals, including other primates, have a valine (Val) at this position despite high nearby amino acid conservation. In addition, computational analyses (PolyPh en2, SIFT, AlignGVGD) do not suggest a high likelihood of impact to the protein. This variant has been identified in 4/66740 of European chromosomes by the Exom e Aggregation Consortium (ExAC; dbSNP rs71524356 ).

Clinical Genomics, Uppaluri K&H Personalized Medicine Clinic
Classification: Benign for Wolfram syndrome 1. Review status: criteria provided, single submitter. Criteria: K & H Uppaluri Personalized Medicine Clinic Variant Classification & Assertion Criteria_Updated V.1. Collection method: research. Allele origin: unknown. Inheritance: Autosomal recessive inheritance.
Comment: Potent mutations in WFS1 gene are associated with Wolfram's syndrome, an autosomal recessive condition, which cause diabetes mellitus, diabetes insipidus, deafness and optic atrophy.However no sufficient evidence is found to ascertain the role of this particular variant rs71524356 in Wolfram's syndrome yet.

Literature cited by the submitters: PubMed 20738327 (cited by Clinical Genomics, Uppaluri K&H Personalized Medicine Clinic); PubMed 33879153 (cited by Clinical Genomics, Uppaluri K&H Personalized Medicine Clinic); PubMed 12955714 (cited by Clinical Genomics, Uppaluri K&H Personalized Medicine Clinic); PubMed 18060660 (cited by Clinical Genomics, Uppaluri K&H Personalized Medicine Clinic); PubMed 20301750 (cited by Clinical Genomics, Uppaluri K&H Personalized Medicine Clinic); PubMed 17603484 (cited by Clinical Genomics, Uppaluri K&H Personalized Medicine Clinic).